The following is an entry in ClinVar:

NM_000719.7(CACNA1C):c.1175G>T (p.Gly392Val)

Gene: CACNA1C (calcium voltage-gated channel subunit alpha1 C; plus strand). Cytogenetic location: 12p13.33.
Variant type: single nucleotide variant.
Coding change: c.1175G>T on transcript NM_000719.7 (MANE Select); coding-DNA position 1175, G replaced by T.
Protein change: p.Gly392Val; replaces glycine 392 with valine.
Molecular consequence: missense variant. On other transcripts: intron variant (4).
Genome position (GRCh38, 1-based): chr12:2,504,903, G>T. VCF-style: chr12-2504903-G-T. GRCh37 (hg19) VCF-style: chr12-2614069-G-T.
Other names: c.1175G>T, p.Gly392Val (NM_001129827.2, NM_001129829.2, NM_001129830.3 and 14 more transcripts); c.1166G>T, p.Gly389Val (NM_001129844.2); c.1217+364G>T (NM_001167624.3, NM_001167623.2, NM_001167625.2 and 1 more transcripts); short protein forms G389V, G392V.
Identifiers: ClinVar variation 1034885 (VCV001034885.8), dbSNP rs760243734, ClinGen allele CA6388655.
Genomic context (GRCh38, chr12:2,504,903, plus strand): 5'-TCAATGATGCCGTAGGAAGGGACTGGCCCTGGATCTATTTTGTTACACTAATCATCATAG[G>T]GTCATTTTTTGTACTTAACTTGGTTCTCGGTGTGCTTAGCGGGTAAGCAGGACCAAGGAA-3'
Protein context (NP_000710.5, residues 382-402): WIYFVTLIII[Gly392Val]SFFVLNLVLG

ClinVar aggregate classification (germline): Uncertain significance (1 of 4 stars; one submission).

Conditions:
Long QT syndrome (LQTS). Identifiers: MedGen C0023976, MeSH D008133, MONDO:0002442. Disease mechanism: loss of function. Inheritance: Various modes of inheritance.

Allele frequency attached by ClinVar (database versions not stated): gnomAD exomes below 0.00001; ExAC 0.00001.
gnomAD v4.1: 1 of 1,608,548 alleles (0.000062%); highest among the groups gnomAD compares: Non-Finnish European, 0.000085%; no homozygotes.

Submission:

Labcorp Genetics (formerly Invitae), Labcorp
Classification: Uncertain significance for Long QT syndrome. Last evaluated: 2020-06-07. Review status: criteria provided, single submitter. Criteria: Invitae Variant Classification Sherloc (09022015). Collection method: clinical testing. Allele origin: germline.
Comment: The frequency data for this variant in the population databases is considered unreliable, as metrics indicate poor data quality at this position in the ExAC database. This sequence change replaces glycine with valine at codon 392 of the CACNA1C protein (p.Gly392Val). The glycine residue is highly conserved and there is a moderate physicochemical difference between glycine and valine. This variant has not been reported in the literature in individuals with CACNA1C-related conditions. In summary, the available evidence is currently insufficient to determine the role of this variant in disease. Therefore, it has been classified as a Variant of Uncertain Significance. Algorithms developed to predict the effect of missense changes on protein structure and function are either unavailable or do not agree on the potential impact of this missense change (SIFT: "Deleterious"; PolyPhen-2: "Probably Damaging"; Align-GVGD: "Class C0").